The following is an entry in ClinVar:

NM_052859.4(RFT1):c.964G>A (p.Val322Ile)

Gene: RFT1 (RFT1 glycolipid translocator homolog; minus strand). Cytogenetic location: 3p21.1.
Variant type: single nucleotide variant.
Coding change: c.964G>A on transcript NM_052859.4 (MANE Select); coding-DNA position 964, G replaced by A.
Protein change: p.Val322Ile; replaces valine 322 with isoleucine.
Molecular consequence: missense variant.
Genome position (GRCh38, 1-based): chr3:53,104,091, C>T on the plus strand (G>A on the coding strand, the complement: RFT1 is on the minus strand). VCF-style: chr3-53104091-C-T. GRCh37 (hg19) VCF-style: chr3-53138107-C-T.
Other names: short protein forms V322I.
Identifiers: ClinVar variation 1353001 (VCV001353001.6), dbSNP rs143888206, ClinGen allele CA2451274.
Genomic context (GRCh38, chr3:53,104,091, plus strand): 5'-TCAGGCCGGCCAGCAGGGCCAGCTTGAGCAGGGACTCCAAGACTGCAGCAGCCACAGCAA[C>T]GTCCTCCTGGGGCCAGGGAAGAGGGAAGGAAGTTGGATGAATCATGAGCTGAAGAAAACC-3'
Protein context (NP_443091.1, residues 312-332): KDATLQKQED[Val322Ile]AVAAAVLESL

ClinVar aggregate classification (germline): Uncertain significance (1 of 4 stars; one submission).

Conditions:
RFT1-congenital disorder of glycosylation (CDG1N). Also called: CDG In; Congenital disorder of glycosylation type In; RFT1-CDG. Identifiers: Orphanet 244310, MedGen C2677590, MONDO:0012783, OMIM 612015.

Allele frequency attached by ClinVar (database versions not stated): gnomAD exomes 0.00001 and 0.00002; ExAC 0.00002; gnomAD 0.00007 and 0.00008; ESP Exome Variant Server 0.00008; TOPMed 0.00012; 1000 Genomes Project 30x 0.00016.
gnomAD v4.1: 29 of 1,614,182 alleles (0.0018%); highest among the groups gnomAD compares: African/African-American, 0.024%; no homozygotes.

Submission:

Labcorp Genetics (formerly Invitae), Labcorp
Classification: Uncertain significance for RFT1-congenital disorder of glycosylation. Last evaluated: 2023-08-04. Review status: criteria provided, single submitter. Criteria: Invitae Variant Classification Sherloc (09022015). Collection method: clinical testing. Allele origin: germline.
Comment: This sequence change replaces valine, which is neutral and non-polar, with isoleucine, which is neutral and non-polar, at codon 322 of the RFT1 protein (p.Val322Ile). This variant is present in population databases (rs143888206, gnomAD 0.01%). This variant has not been reported in the literature in individuals affected with RFT1-related conditions. ClinVar contains an entry for this variant (Variation ID: 1353001). Advanced modeling of protein sequence and biophysical properties (such as structural, functional, and spatial information, amino acid conservation, physicochemical variation, residue mobility, and thermodynamic stability) performed at Invitae indicates that this missense variant is not expected to disrupt RFT1 protein function. In summary, the available evidence is currently insufficient to determine the role of this variant in disease. Therefore, it has been classified as a Variant of Uncertain Significance.